The following is an entry in ClinVar:

ClinVar aggregate classification (germline): Uncertain significance. Review status: criteria provided, multiple submitters, no conflicts (2 of 4 stars). 2 submissions from 2 submitters: Uncertain significance (2). Last evaluated 2025-08-04.

Conditions:
Familial hypocalciuric hypercalcemia (FHH). Also called: Familial benign hypercalcemia. Identifiers: Orphanet 405, MedGen C1809471, MONDO:0018458.
Autosomal dominant hypocalcemia 1 (HYPOC1). Also called: HYPOCALCEMIA, FAMILIAL. Identifiers: MedGen C3715128, MONDO:0011013, OMIM 601198.

Submissions (2):

GeneDx
Classification: Uncertain significance. Last evaluated: 2025-08-04. Review status: criteria provided, single submitter. Criteria: GeneDx Variant Classification Process June 2021. Collection method: clinical testing. Allele origin: germline. Affected: yes.
Comment: Not observed at significant frequency in large population cohorts (gnomAD); In silico analysis suggests that this missense variant does not alter protein structure/function; This variant is associated with the following publications: (PMID: 19179454)

Labcorp Genetics (formerly Invitae), Labcorp
Classification: Uncertain significance for Familial hypocalciuric hypercalcemia; Autosomal dominant hypocalcemia 1. Last evaluated: 2017-10-12. Review status: criteria provided, single submitter. Criteria: Invitae Variant Classification Sherloc (09022015). Collection method: clinical testing. Allele origin: germline.
Comment: This variant is not present in population databases (ExAC no frequency). This variant has been reported in an individual affected with familial hypocalciuric hypercalcemia (PMID: 9179454). Algorithms developed to predict the effect of missense changes on protein structure and function (SIFT, PolyPhen-2, Align-GVGD) all suggest that this variant is likely to be disruptive, but these predictions have not been confirmed by published functional studies and their clinical significance is uncertain. In summary, the available evidence is currently insufficient to determine the role of this variant in disease. Therefore, it has been classified as a Variant of Uncertain Significance. This sequence change replaces phenylalanine with serine at codon 42 of the CASR protein (p.Phe42Ser). The phenylalanine residue is highly conserved and there is a large physicochemical difference between phenylalanine and serine.

Literature cited by the submitters: PubMed 9179454 (cited by Labcorp Genetics (formerly Invitae), Labcorp).

NM_000388.4(CASR):c.125T>C (p.Phe42Ser)

Gene: CASR (calcium sensing receptor; plus strand). Cytogenetic location: 3q21.1.
Variant type: single nucleotide variant.
Coding change: c.125T>C on transcript NM_000388.4 (MANE Select); coding-DNA position 125, T replaced by C.
Protein change: p.Phe42Ser; replaces phenylalanine 42 with serine.
Molecular consequence: missense variant.
Genome position (GRCh38, 1-based): chr3:122,254,314, T>C. VCF-style: chr3-122254314-T-C. GRCh37 (hg19) VCF-style: chr3-121973161-T-C.
Other names: c.125T>C, p.Phe42Ser (NM_001178065.2); short protein forms F42S.
Identifiers: ClinVar variation 532590 (VCV000532590.11), dbSNP rs1553765909, ClinGen allele CA354362184.
Genomic context (GRCh38, chr3:122,254,314, plus strand): 5'-CAGACCAGCGAGCCCAAAAGAAGGGGGACATTATCCTTGGGGGGCTCTTTCCTATTCATT[T>C]TGGAGTAGCAGCTAAAGATCAAGATCTCAAATCAAGGCCGGAGTCTGTGGAATGTATCAG-3'
Protein context (NP_000379.3, residues 32-52): IILGGLFPIH[Phe42Ser]GVAAKDQDLK